The following is an entry in ClinVar:

ClinVar aggregate classification (germline): Uncertain significance (1 of 4 stars; one submission).

Submission:

GeneDx
Classification: Uncertain significance. Last evaluated: 2026-08-21. Review status: criteria provided, single submitter. Criteria: GeneDx Variant Classification Process June 2021. Collection method: clinical testing. Allele origin: germline.
Comment: Not observed at significant frequency in large population cohorts (gnomAD); In silico analysis suggests that this missense variant does not alter protein structure/function; This substitution is predicted to be within the extracellular loop between the S5 and S6 transmembrane segments of the third homologous domain; Has not been previously published as pathogenic or benign to our knowledge

NM_001165963.4(SCN1A):c.4369C>G (p.Leu1457Val)

Genes: SCN1A (sodium voltage-gated channel alpha subunit 1; minus strand), LOC102724058 (uncharacterized LOC102724058; plus strand). Cytogenetic location: 2q24.3.
Variant type: single nucleotide variant.
Coding change: c.4369C>G on transcript NM_001165963.4 (MANE Select); coding-DNA position 4369, C replaced by G.
Protein change: p.Leu1457Val; replaces leucine 1457 with valine.
Molecular consequence: missense variant. On other transcripts: non-coding transcript variant (1).
Genome position (GRCh38, 1-based): chr2:165,998,145, G>C on the plus strand (C>G on the coding strand, the complement: SCN1A is on the minus strand). VCF-style: chr2-165998145-G-C. GRCh37 (hg19) VCF-style: chr2-166854655-G-C.
Other names: p.L1457V:CTG>GTG; c.4285C>G, p.Leu1429Val (NM_001165964.3, NM_001353957.2, NM_001353958.2); c.4369C>G, p.Leu1457Val (NM_001202435.3, NM_001353948.2); c.4336C>G, p.Leu1446Val (NM_001353949.2, NM_001353950.2, NM_001353951.2 and 2 more transcripts); c.4333C>G, p.Leu1445Val (NM_001353954.2, NM_001353955.2); c.4282C>G, p.Leu1428Val (NM_001353960.2); c.1927C>G, p.Leu643Val (NM_001353961.2); short protein forms L1446V, L1457V, L1429V, L1428V, L1445V, L643V.
Identifiers: ClinVar variation 206828 (VCV000206828.3), dbSNP rs796053013, ClinGen allele CA317463.